The following is an entry in ClinVar:

ClinVar aggregate classification (germline): Pathogenic/Likely pathogenic. Review status: criteria provided, multiple submitters, no conflicts (2 of 4 stars). 2 submissions from 2 submitters: Pathogenic (1); Likely pathogenic (1). Last evaluated 2024-11-27.

Conditions:
BBS2-related ciliopathy. Identifiers: MedGen CN378634, MONDO:1040048.
Bardet-Biedl syndrome 2 (BBS2). Identifiers: Orphanet 110, MedGen C2936863, MONDO:0014432, OMIM 615981.

Submissions (2):

Myriad Genetics, Inc.
Classification: Pathogenic for BBS2-related ciliopathy. Last evaluated: 2024-11-27. Review status: criteria provided, single submitter. Criteria: Myriad Autosomal Dominant, Autosomal Recessive and X-Linked Classification Criteria (2023). Collection method: clinical testing. Allele origin: unknown.
Comment: NM_031885.3(BBS2):c.1027C>T(Q343*) is expected to be pathogenic in the context of Bardet-Biedl syndrome, BBS2-related. This variant is predicted to lead to an abnormal or absent protein product due to the creation of a premature termination codon in BBS2, a gene where loss-of-function variants are known to be pathogenic. Please note: this variant was assessed in the context of healthy population screening.

Baylor Genetics
Classification: Likely pathogenic for Bardet-Biedl syndrome 2. Last evaluated: 2023-03-14. Review status: criteria provided, single submitter. Criteria: ACMG Guidelines, 2015. Collection method: clinical testing. Allele origin: unknown.

NM_031885.5(BBS2):c.1027C>T (p.Gln343Ter)

Gene: BBS2 (Bardet-Biedl syndrome 2; minus strand). Cytogenetic location: 16q13.
Variant type: single nucleotide variant.
Coding change: c.1027C>T on transcript NM_031885.5 (MANE Select); coding-DNA position 1027, C replaced by T.
Protein change: p.Gln343Ter; replaces glutamine 343 with a stop codon.
Molecular consequence: nonsense. On other transcripts: non-coding transcript variant (5).
Genome position (GRCh38, 1-based): chr16:56,502,370, G>A on the plus strand (C>T on the coding strand, the complement: BBS2 is on the minus strand). VCF-style: chr16-56502370-G-A. GRCh37 (hg19) VCF-style: chr16-56536282-G-A.
Other names: c.1027C>T, p.Gln343Ter (NM_001377456.1); short protein forms Q343*.
Identifiers: ClinVar variation 2680018 (VCV002680018.2), dbSNP rs1337345059, ClinGen allele CA395980587.
Genomic context (GRCh38, chr16:56,502,370, plus strand): 5'-CACCTACCTTGGCATTTTCCTCATAGTTACGGAGTTCCAGCAACAGATTCTGCTTCTTCT[G>A]ACTCAGCTCTCGGATCAGGTCCTGCTCTGCACTGGTGTCCATGAGGTTGCCCCTCATCTC-3'